The following is an entry in ClinVar:

ClinVar aggregate classification (germline): Uncertain significance. Review status: criteria provided, multiple submitters, no conflicts (2 of 4 stars). 2 submissions from 2 submitters: Uncertain significance (2). Last evaluated 2024-06-04.

Conditions:
Inborn genetic diseases. Identifiers: MedGen C0950123, MeSH D030342.
Familial Mediterranean fever (FMF). Also called: POLYSEROSITIS, FAMILIAL PAROXYSMAL; POLYSEROSITIS, RECURRENT; Periodic peritonitis; Benign paroxysmal peritonitis. Identifiers: Orphanet 342, MedGen C0031069, MONDO:0018088, OMIM 249100. Disease mechanism: gain of function.

Allele frequency attached by ClinVar (database versions not stated): TOPMed 0.00002; gnomAD 0.00001.
gnomAD v4.1: 2 of 1,613,296 alleles (0.00012%); highest among the groups gnomAD compares: African/African-American, 0.0013%; no homozygotes.

Submissions (2):

Ambry Genetics
Classification: Uncertain significance for Inborn genetic diseases. Last evaluated: 2024-06-04. Review status: criteria provided, single submitter. Criteria: Ambry Variant Classification Scheme 2023. Collection method: clinical testing. Allele origin: germline.

Labcorp Genetics (formerly Invitae), Labcorp
Classification: Uncertain significance for Familial Mediterranean fever. Last evaluated: 2022-01-14. Review status: criteria provided, single submitter. Criteria: Invitae Variant Classification Sherloc (09022015). Collection method: clinical testing. Allele origin: germline.
Comment: This sequence change replaces cysteine, which is neutral and slightly polar, with tyrosine, which is neutral and polar, at codon 332 of the MEFV protein (p.Cys332Tyr). This variant is not present in population databases (gnomAD no frequency). This variant has not been reported in the literature in individuals affected with MEFV-related conditions. ClinVar contains an entry for this variant (Variation ID: 849552). Algorithms developed to predict the effect of missense changes on protein structure and function output the following: SIFT: "Tolerated"; PolyPhen-2: "Benign"; Align-GVGD: "Class C0". The tyrosine amino acid residue is found in multiple mammalian species, which suggests that this missense change does not adversely affect protein function. In summary, the available evidence is currently insufficient to determine the role of this variant in disease. Therefore, it has been classified as a Variant of Uncertain Significance.

NM_000243.3(MEFV):c.995G>A (p.Cys332Tyr)

Gene: MEFV (MEFV innate immunity regulator, pyrin; minus strand). Cytogenetic location: 16p13.3.
Variant type: single nucleotide variant.
Coding change: c.995G>A on transcript NM_000243.3 (MANE Select); coding-DNA position 995, G replaced by A.
Protein change: p.Cys332Tyr; replaces cysteine 332 with tyrosine.
Molecular consequence: missense variant.
Genome position (GRCh38, 1-based): chr16:3,249,696, C>T on the plus strand (G>A on the coding strand, the complement: MEFV is on the minus strand). VCF-style: chr16-3249696-C-T. GRCh37 (hg19) VCF-style: chr16-3299696-C-T.
Other names: c.362G>A, p.Cys121Tyr (NM_001198536.2); short protein forms C332Y, C121Y.
Identifiers: ClinVar variation 849552 (VCV000849552.4), dbSNP rs1379609898, ClinGen allele CA394471368.